The following is an entry in ClinVar:

NM_002473.6(MYH9):c.5107C>T (p.Arg1703Trp)

Gene: MYH9 (myosin heavy chain 9; minus strand). Cytogenetic location: 22q12.3.
Variant type: single nucleotide variant.
Coding change: c.5107C>T on transcript NM_002473.6 (MANE Select); coding-DNA position 5107, C replaced by T.
Protein change: p.Arg1703Trp; replaces arginine 1703 with tryptophan.
Molecular consequence: missense variant.
Genome position (GRCh38, 1-based): chr22:36,285,908, G>A on the plus strand (C>T on the coding strand, the complement: MYH9 is on the minus strand). VCF-style: chr22-36285908-G-A. GRCh37 (hg19) VCF-style: chr22-36681954-G-A.
Other names: c.5107C>T (NM_002473.5); short protein forms R1703W.
Identifiers: ClinVar variation 179392 (VCV000179392.16), dbSNP rs569541375, ClinGen allele CA184333.

ClinVar aggregate classification (germline): Conflicting classifications of pathogenicity. Review status: criteria provided, conflicting classifications (1 of 4 stars). 4 submissions from 4 submitters: Uncertain significance (2); Likely benign (1). 1 of the submissions does not count toward it. Last evaluated 2025-12-19.

Conditions:
MYH9-related disorder. Identifiers: MedGen C1854520.

Allele frequency attached by ClinVar (database versions not stated): gnomAD below 0.00001 and 0.00001; TOPMed 0.00001; gnomAD exomes 0.00011 and 0.00020; 1000 Genomes Project 30x 0.00016; ExAC 0.00018; 1000 Genomes Project 0.00020.
gnomAD v4.1: 160 of 1,612,426 alleles (0.0099%); highest among the groups gnomAD compares: South Asian, 0.1%; no homozygotes.

Submissions (5):

Labcorp Genetics (formerly Invitae), Labcorp
Classification: Likely benign. Last evaluated: 2025-12-19. Review status: criteria provided, single submitter. Criteria: Invitae Variant Classification Sherloc (09022015). Collection method: clinical testing. Allele origin: germline.

GeneDx
Classification: Uncertain significance. Last evaluated: 2021-06-15. Review status: criteria provided, single submitter. Criteria: GeneDx Variant Classification Process June 2021. Collection method: clinical testing. Allele origin: germline. Affected: yes.
Comment: In silico analysis supports that this missense variant has a deleterious effect on protein structure/function; Has not been previously published as pathogenic or benign to our knowledge

Laboratory for Molecular Medicine, Mass General Brigham Personalized Medicine
Classification: Uncertain significance. Last evaluated: 2013-11-25. Review status: criteria provided, single submitter. Criteria: LMM Criteria. Collection method: clinical testing. Allele origin: germline. Observed: 1 variant allele.
Comment: The Arg1703Trp variant in MYH9 has not been previously reported in individuals w ith hearing loss or in large population studies. Computational analyses (biochem ical amino acid properties, conservation, AlignGVGD, PolyPhen2, and SIFT) sugges t that the Arg1703Trp variant may impact the protein, though this information is not predictive enough to determine pathogenicity. In summary, additional data i s needed to determine the clinical significance of this variant.

PreventionGenetics, part of Exact Sciences
Classification: Likely benign for MYH9-related condition. Last evaluated: 2023-08-05. Review status: no assertion criteria provided. Collection method: clinical testing. Allele origin: germline. Not counted in ClinVar's aggregate classification.
Comment: This variant is classified as likely benign based on ACMG/AMP sequence variant interpretation guidelines (Richards et al. 2015 PMID: 25741868, with internal and published modifications).

Dr. Peter K. Rogan Lab, Western University
No classification provided (evidence only). Condition: Malignant tumor of urinary bladder. Review status: no classification provided. Collection method: in vitro. Allele origin: not applicable. Functional consequence: retained intron. Not counted in ClinVar's aggregate classification.